The following is an entry in ClinVar:

NC_000006.11:g.(?_43007874)_(43008184_?)del

Gene: CUL7 (cullin 7; minus strand). Cytogenetic location: 6p21.1.
Variant type: Deletion.
Identifiers: ClinVar variation 3246219 (VCV003246219.1).

ClinVar aggregate classification (germline): Pathogenic (1 of 4 stars; one submission).

Submission:

Labcorp Genetics (formerly Invitae), Labcorp
Classification: Pathogenic. Last evaluated: 2023-09-17. Review status: criteria provided, single submitter. Criteria: Invitae Variant Classification Sherloc (09022015). Collection method: clinical testing. Allele origin: unknown.
Comment: This variant is a gross deletion of the genomic region encompassing exon(s) 22 of the CUL7 gene. This deletion is out-of-frame, and is expected to create a premature termination codon and result in an absent or disrupted protein product. Loss-of-function variants in CUL7 are known to be pathogenic (PMID: 16142236, 17675530, 19225462). This variant has not been reported in the literature in individuals affected with CUL7-related conditions. For these reasons, this variant has been classified as Pathogenic.

Literature cited by the submitters: PubMed 16142236; PubMed 17675530; PubMed 19225462.